The following is an entry in ClinVar:

ClinVar aggregate classification (germline): Uncertain significance (1 of 4 stars; one submission).

Allele frequency attached by ClinVar (database versions not stated): gnomAD 0.00001.
gnomAD v4.1: 23 of 1,613,882 alleles (0.0014%); highest among the groups gnomAD compares: East Asian, 0.0022%; no homozygotes.

Submission:

Labcorp Genetics (formerly Invitae), Labcorp
Classification: Uncertain significance. Last evaluated: 2022-08-06. Review status: criteria provided, single submitter. Criteria: Invitae Variant Classification Sherloc (09022015). Collection method: clinical testing. Allele origin: germline.
Comment: This sequence change replaces arginine, which is basic and polar, with proline, which is neutral and non-polar, at codon 556 of the ADAMTSL4 protein (p.Arg556Pro). This variant is present in population databases (rs773684053, gnomAD 0.003%). This variant has not been reported in the literature in individuals affected with ADAMTSL4-related conditions. Algorithms developed to predict the effect of missense changes on protein structure and function (SIFT, PolyPhen-2, Align-GVGD) all suggest that this variant is likely to be tolerated. In summary, the available evidence is currently insufficient to determine the role of this variant in disease. Therefore, it has been classified as a Variant of Uncertain Significance.

NM_019032.6(ADAMTSL4):c.1667G>C (p.Arg556Pro)

Genes: ADAMTSL4 (ADAMTS like 4; plus strand), ADAMTSL4-AS2 (ADAMTSL4 antisense RNA 2; minus strand). Cytogenetic location: 1q21.2.
Variant type: single nucleotide variant.
Coding change: c.1667G>C on transcript NM_019032.6 (MANE Select); coding-DNA position 1667, G replaced by C.
Protein change: p.Arg556Pro; replaces arginine 556 with proline.
Molecular consequence: missense variant.
Genome position (GRCh38, 1-based): chr1:150,556,711, G>C. VCF-style: chr1-150556711-G-C. GRCh37 (hg19) VCF-style: chr1-150529187-G-C.
Other names: c.1736G>C, p.Arg579Pro (NM_001288607.2, NM_001288608.2); c.1667G>C, p.Arg556Pro (NM_001378596.1, NM_025008.5); short protein forms R579P, R556P.
Identifiers: ClinVar variation 2130700 (VCV002130700.1), dbSNP rs773684053, ClinGen allele CA1078359.